The following is an entry in ClinVar:

ClinVar aggregate classification (germline): Uncertain significance. Review status: criteria provided, single submitter (1 of 4 stars). 2 submissions from 2 submitters: Uncertain significance (1). 1 of the submissions does not count toward it. Last evaluated 2024-08-11.

Conditions:
NUS1-related disorder. Also called: NUS1-Related Disorders; NUS1-related condition. Identifiers: MedGen CN382504, MONDO:1060287.
Congenital disorder of glycosylation, type Iaa. Also called: Congenital disorder of glycosylation, type 1aa. Identifiers: MedGen C4310727, MONDO:0014904, OMIM 617082.

Submissions (2):

Labcorp Genetics (formerly Invitae), Labcorp
Classification: Uncertain significance for Congenital disorder of glycosylation, type Iaa. Last evaluated: 2024-08-11. Review status: criteria provided, single submitter. Criteria: Invitae Variant Classification Sherloc (09022015). Collection method: clinical testing. Allele origin: germline.
Comment: This sequence change replaces leucine, which is neutral and non-polar, with glutamine, which is neutral and polar, at codon 97 of the NUS1 protein (p.Leu97Gln). This variant is not present in population databases (gnomAD no frequency). This variant has not been reported in the literature in individuals affected with NUS1-related conditions. An algorithm developed to predict the effect of missense changes on protein structure and function (PolyPhen-2) suggests that this variant is likely to be disruptive. In summary, the available evidence is currently insufficient to determine the role of this variant in disease. Therefore, it has been classified as a Variant of Uncertain Significance.

PreventionGenetics, part of Exact Sciences
Classification: Uncertain significance for NUS1-related condition. Last evaluated: 2024-09-21. Review status: no assertion criteria provided. Collection method: clinical testing. Allele origin: germline. Not counted in ClinVar's aggregate classification.
Comment: The NUS1 c.290T>A variant is predicted to result in the amino acid substitution p.Leu97Gln. To our knowledge, this variant has not been reported in the literature or in gnomAD, indicating this variant is rare. At this time, the clinical significance of this variant is uncertain due to the absence of conclusive functional and genetic evidence.

NM_138459.5(NUS1):c.290T>A (p.Leu97Gln)

Gene: NUS1 (NUS1 dehydrodolichyl diphosphate synthase subunit; plus strand). Cytogenetic location: 6q22.1.
Variant type: single nucleotide variant.
Coding change: c.290T>A on transcript NM_138459.5 (MANE Select); coding-DNA position 290, T replaced by A.
Protein change: p.Leu97Gln; replaces leucine 97 with glutamine.
Molecular consequence: missense variant.
Genome position (GRCh38, 1-based): chr6:117,675,960, T>A. VCF-style: chr6-117675960-T-A. GRCh37 (hg19) VCF-style: chr6-117997123-T-A.
Other names: short protein forms L97Q.
Identifiers: ClinVar variation 3345614 (VCV003345614.3).